The following is an entry in ClinVar:

NM_020975.6(RET):c.561G>C (p.Gln187His)

Gene: RET (ret proto-oncogene; plus strand). Cytogenetic location: 10q11.21.
Variant type: single nucleotide variant.
Coding change: c.561G>C on transcript NM_020975.6 (MANE Select); coding-DNA position 561, G replaced by C.
Protein change: p.Gln187His; replaces glutamine 187 with histidine.
Molecular consequence: missense variant.
Genome position (GRCh38, 1-based): chr10:43,102,565, G>C. VCF-style: chr10-43102565-G-C. GRCh37 (hg19) VCF-style: chr10-43598013-G-C.
Other names: c.561G>C, p.Gln187His (NM_000323.2, NM_001406743.1, NM_001406744.1 and 16 more transcripts); c.432G>C, p.Gln144His (NM_001406761.1, NM_001406762.1, NM_001406764.1 and 4 more transcripts); short protein forms Q187H, Q144H.
Identifiers: ClinVar variation 1510055 (VCV001510055.9), dbSNP rs764162555, ClinGen allele CA376543497.

ClinVar aggregate classification (germline): Uncertain significance (1 of 4 stars; one submission).

Conditions:
Multiple endocrine neoplasia, type 2 (MEN2). Identifiers: Orphanet 653, MedGen C4048306, MONDO:0019003. Disease mechanism: gain of function.

Submission:

Labcorp Genetics (formerly Invitae), Labcorp
Classification: Uncertain significance for Multiple endocrine neoplasia, type 2. Last evaluated: 2025-06-15. Review status: criteria provided, single submitter. Criteria: Invitae Variant Classification Sherloc (09022015). Collection method: clinical testing. Allele origin: germline.
Comment: This sequence change replaces glutamine, which is neutral and polar, with histidine, which is basic and polar, at codon 187 of the RET protein (p.Gln187His). This variant is not present in population databases (gnomAD no frequency). This variant has not been reported in the literature in individuals affected with RET-related conditions. ClinVar contains an entry for this variant (Variation ID: 1510055). An algorithm developed to predict the effect of missense changes on protein structure and function (PolyPhen-2) suggests that this variant is likely to be tolerated. In summary, the available evidence is currently insufficient to determine the role of this variant in disease. Therefore, it has been classified as a Variant of Uncertain Significance.